The following is an entry in ClinVar:

NM_000264.5(PTCH1):c.161G>C (p.Ser54Thr)

Gene: PTCH1 (patched 1; minus strand). Cytogenetic location: 9q22.32.
Variant type: single nucleotide variant.
Coding change: c.161G>C on transcript NM_000264.5 (MANE Select); coding-DNA position 161, G replaced by C.
Protein change: p.Ser54Thr; replaces serine 54 with threonine.
Molecular consequence: missense variant. On other transcripts: non-coding transcript variant (1), intron variant (3).
Genome position (GRCh38, 1-based): chr9:95,508,201, C>G on the plus strand (G>C on the coding strand, the complement: PTCH1 is on the minus strand). VCF-style: chr9-95508201-C-G. GRCh37 (hg19) VCF-style: chr9-98270483-C-G.
Other names: c.161G>C, p.Ser54Thr (NM_001354918.2); c.199-1602G>C (NM_001083603.3); c.4-1602G>C (NM_001083602.3, NM_001354919.2); short protein forms S54T.
Identifiers: ClinVar variation 1776580 (VCV001776580.2), dbSNP rs1008478587, ClinGen allele CA196555419.

ClinVar aggregate classification (germline): Uncertain significance (1 of 4 stars; one submission).

Conditions:
Hereditary cancer-predisposing syndrome. Also called: Neoplastic Syndromes, Hereditary; Tumor predisposition; Hereditary Cancer Syndrome; Hereditary neoplastic syndrome. Identifiers: Orphanet 140162, MedGen C0027672, MeSH D009386, MONDO:0015356.

Allele frequency attached by ClinVar (database versions not stated): TOPMed below 0.00001.

Submission:

Ambry Genetics
Classification: Uncertain significance for Hereditary cancer-predisposing syndrome. Last evaluated: 2022-01-10. Review status: criteria provided, single submitter. Criteria: Ambry Variant Classification Scheme 2023. Collection method: clinical testing. Allele origin: germline.
Comment: The p.S54T variant (also known as c.161G>C), located in coding exon 1 of the PTCH1 gene, results from a G to C substitution at nucleotide position 161. The serine at codon 54 is replaced by threonine, an amino acid with similar properties. This amino acid position is conserved. In addition, the in silico prediction for this alteration is inconclusive. Since supporting evidence is limited at this time, the clinical significance of this alteration remains unclear.